The following is an entry in ClinVar:

NM_170606.3(KMT2C):c.3525T>A (p.Asp1175Glu)

Gene: KMT2C (lysine methyltransferase 2C; minus strand). Cytogenetic location: 7q36.1.
Variant type: single nucleotide variant.
Coding change: c.3525T>A on transcript NM_170606.3 (MANE Select); coding-DNA position 3525, T replaced by A.
Protein change: p.Asp1175Glu; replaces aspartic acid 1175 with glutamic acid.
Molecular consequence: missense variant.
Genome position (GRCh38, 1-based): chr7:152,220,710, A>T on the plus strand (T>A on the coding strand, the complement: KMT2C is on the minus strand). VCF-style: chr7-152220710-A-T. GRCh37 (hg19) VCF-style: chr7-151917795-A-T.
Other names: short protein forms D1175E.
Identifiers: ClinVar variation 4540265 (VCV004540265.1).

ClinVar aggregate classification (germline): Uncertain significance (1 of 4 stars; one submission).

Submission:

GeneDx
Classification: Uncertain significance. Last evaluated: 2025-06-24. Review status: criteria provided, single submitter. Criteria: GeneDx Variant Classification Process June 2021. Collection method: clinical testing. Allele origin: germline. Affected: yes.
Comment: Not observed at significant frequency in large population cohorts (gnomAD); In silico analysis suggests that this missense variant does not alter protein structure/function; Has not been previously published as pathogenic or benign to our knowledge